The following is an entry in ClinVar:

ClinVar aggregate classification (germline): Likely benign. Review status: criteria provided, multiple submitters, no conflicts (2 of 4 stars). 3 submissions from 3 submitters: Likely benign (2). 1 of the submissions does not count toward it. Last evaluated 2024-06-01.

Conditions:
CIC-related disorder. Also called: CIC-related condition.

Allele frequency attached by ClinVar (database versions not stated): ESP Exome Variant Server 0.00023; TOPMed 0.00023; gnomAD 0.00029 and 0.00033; 1000 Genomes Project 30x 0.00031; gnomAD exomes 0.00038 and 0.00050; 1000 Genomes Project 0.00040; ExAC 0.00040.
gnomAD v4.1: 764 of 1,612,818 alleles (0.047%); highest among the groups gnomAD compares: South Asian, 0.077%; 2 homozygotes.

Submissions (3):

CeGaT Center for Human Genetics Tuebingen
Classification: Likely benign. Last evaluated: 2024-06-01. Review status: criteria provided, single submitter. Criteria: CeGaT Center For Human Genetics Tuebingen Variant Classification Criteria Version 2. Collection method: clinical testing. Allele origin: germline. Affected: yes. Observed: 3 variant alleles.
Comment: CIC: BP4, BP7

Labcorp Genetics (formerly Invitae), Labcorp
Classification: Likely benign. Last evaluated: 2018-09-12. Review status: criteria provided, single submitter. Criteria: Invitae Variant Classification Sherloc (09022015). Collection method: clinical testing. Allele origin: germline.

PreventionGenetics, part of Exact Sciences
Classification: Likely benign for CIC-related condition. Last evaluated: 2019-04-23. Review status: no assertion criteria provided. Collection method: clinical testing. Allele origin: germline. Not counted in ClinVar's aggregate classification.
Comment: This variant is classified as likely benign based on ACMG/AMP sequence variant interpretation guidelines (Richards et al. 2015 PMID: 25741868, with internal and published modifications).

NM_001386298.1(CIC):c.6699G>A (p.Ala2233=)

Gene: CIC (capicua transcriptional repressor; plus strand). Cytogenetic location: 19q13.2.
Variant type: single nucleotide variant.
Coding change: c.6699G>A on transcript NM_001386298.1 (MANE Select); coding-DNA position 6699, G replaced by A.
Protein change: p.Ala2233=; no amino-acid change (alanine 2233 retained).
Molecular consequence: synonymous variant.
Genome position (GRCh38, 1-based): chr19:42,293,768, G>A. VCF-style: chr19-42293768-G-A. GRCh37 (hg19) VCF-style: chr19-42797920-G-A.
Other names: c.6699G>A, p.Ala2233= (NM_001304815.2, NM_001379482.1); c.6696G>A, p.Ala2232= (NM_001379480.1); c.3972G>A, p.Ala1324= (NM_001379484.1, NM_001379485.1, NM_015125.5).
Identifiers: ClinVar variation 723051 (VCV000723051.28), dbSNP rs139872750, ClinGen allele CA9472802.
Genomic context (GRCh38, chr19:42,293,768, plus strand): 5'-TGGCAGCAGCGAGAGCAGCAGTGGGCGGGCAGCCGGGGACACCCCGGAGCGCAAGGAGGC[G>A]GCTGGTACTGGCAAGAAGGTGAAGGTGCGGCCCCCGCCCCTGAAGAAGACCTTTGACTCT-3'
Protein context (NP_001373227.1, residues 2223-2243): AAGDTPERKE[Ala2233=]AGTGKKVKVR